The following is an entry in ClinVar:

NM_001127222.2(CACNA1A):c.1460C>G (p.Ala487Gly)

Gene: CACNA1A (calcium voltage-gated channel subunit alpha1 A; minus strand). Cytogenetic location: 19p13.13.
Variant type: single nucleotide variant.
Coding change: c.1460C>G on transcript NM_001127222.2 (MANE Select); coding-DNA position 1460, C replaced by G.
Protein change: p.Ala487Gly; replaces alanine 487 with glycine.
Molecular consequence: missense variant.
Genome position (GRCh38, 1-based): chr19:13,317,207, G>C on the plus strand (C>G on the coding strand, the complement: CACNA1A is on the minus strand). VCF-style: chr19-13317207-G-C. GRCh37 (hg19) VCF-style: chr19-13428021-G-C.
Other names: c.1463C>G, p.Ala488Gly (NM_000068.4, NM_001127221.2, NM_001174080.2 and 1 more transcripts); short protein forms A487G, A488G.
Identifiers: ClinVar variation 5005937 (VCV005005937.2).
Genomic context (GRCh38, chr19:13,317,207, plus strand): 5'-TGAACAATAGCAACACACAGCGTGTTGAGAGCTACCAAACTGAGTACAGTCCAGTAGAAG[G>C]CCTGAGTTTTGACCATGCGGCGGATGTAGAAACGCATCCTCCTCTCCTTTTTGTGAAAAA-3'
Protein context (NP_001120694.1, residues 477-497): FYIRRMVKTQ[Ala487Gly]FYWTVLSLVA

ClinVar aggregate classification (germline): Uncertain significance (1 of 4 stars; one submission).

Conditions:
Spinocerebellar ataxia type 6 (SCA6). Identifiers: Orphanet 98758, MedGen C0752124, MONDO:0008457, OMIM 183086.
Migraine, familial hemiplegic, 1. Also called: MIGRAINE, FAMILIAL HEMIPLEGIC 1, WITH PROGRESSIVE CEREBELLAR ATAXIA. Identifiers: Orphanet 569, MedGen C1832884, MONDO:0020756, OMIM 141500, MONDO:0007714.
Episodic ataxia type 2 (EA2). Also called: ATAXIA, EPISODIC, WITH NYSTAGMUS; ATAXIA, FAMILIAL PAROXYSMAL; CEREBELLAR ATAXIA, PAROXYSMAL, ACETAZOLAMIDE-RESPONSIVE; CEREBELLOPATHY, HEREDITARY PAROXYSMAL; ACETAZOLAMIDE-RESPONSIVE HEREDITARY PAROXYSMAL CEREBELLAR ATAXIA; EPISODIC ATAXIA, NYSTAGMUS-ASSOCIATED. Identifiers: Orphanet 97, MedGen C1720416, MONDO:0007163, OMIM 108500.
Developmental and epileptic encephalopathy, 42 (DEE42A). Also called: DEVELOPMENTAL AND EPILEPTIC ENCEPHALOPATHY 42A; EPILEPTIC ENCEPHALOPATHY, EARLY INFANTILE, 42A; Epileptic encephalopathy, early infantile, 42. Identifiers: MedGen C4310716, MONDO:0014917, OMIM 617106.

Submission:

Juno Genomics, Hangzhou Juno Genomics, Inc
Classification: Uncertain significance for Spinocerebellar ataxia type 6; Developmental and epileptic encephalopathy, 42; Episodic ataxia type 2; Migraine, familial hemiplegic, 1. Review status: criteria provided, single submitter. Criteria: ACMG Guidelines, 2015. Collection method: clinical testing. Allele origin: germline.
Comment: Missense variant in a gene that has a low rate of benign missense variation.;Multiple lines of computational evidence support a deleterious effect on the gene or gene product.;Absent from controls (or at extremely low frequency if recessive) in Genome Aggregation Database.